The following is an entry in ClinVar:

NM_001374736.1(DST):c.5124T>G (p.Leu1708=)

Gene: DST (dystonin; minus strand). Cytogenetic location: 6p12.1.
Variant type: single nucleotide variant.
Coding change: c.5124T>G on transcript NM_001374736.1 (MANE Select); coding-DNA position 5124, T replaced by G.
Protein change: p.Leu1708=; no amino-acid change (leucine 1708 retained).
Molecular consequence: synonymous variant.
Genome position (GRCh38, 1-based): chr6:56,611,531, A>C on the plus strand (T>G on the coding strand, the complement: DST is on the minus strand). VCF-style: chr6-56611531-A-C. GRCh37 (hg19) VCF-style: chr6-56476329-A-C.
Other names: c.5025T>G, p.Leu1675= (NM_001144769.5); c.4611T>G, p.Leu1537= (NM_001144770.2); c.5124T>G, p.Leu1708= (NM_001374722.1); c.4491T>G, p.Leu1497= (NM_001374729.1, NM_001374730.1, NM_001386100.1 and 1 more transcripts); c.5151T>G, p.Leu1717= (NM_001374734.1); c.3513T>G, p.Leu1171= (NM_015548.5).
Identifiers: ClinVar variation 2417758 (VCV002417758.9), dbSNP rs748189091, ClinGen allele CA3869800.

ClinVar aggregate classification (germline): Uncertain significance (1 of 4 stars; one submission).

Conditions:
Hereditary sensory and autonomic neuropathy type 6. Also called: HSAN VI; Neuropathy, hereditary sensory and autonomic, type VI. Identifiers: Orphanet 314381, MedGen C3539003, MONDO:0013839, OMIM 614653.
Epidermolysis bullosa simplex 3, localized or generalized intermediate, with BP230 deficiency (EBS3). Also called: Epidermolysis bullosa simplex due to BP230 deficiency; Epidermolysis bullosa simplex, autosomal recessive 2. Identifiers: Orphanet 412181, MedGen C3809470, MONDO:0014180, OMIM 615425.

Allele frequency attached by ClinVar (database versions not stated): gnomAD exomes below 0.00001; ExAC 0.00001; TOPMed 0.00002; gnomAD 0.00003.
gnomAD v4.1: 7 of 1,612,762 alleles (0.00043%); highest among the groups gnomAD compares: African/African-American, 0.0067%; no homozygotes.

Submission:

Labcorp Genetics (formerly Invitae), Labcorp
Classification: Uncertain significance for Epidermolysis bullosa simplex 3, localized or generalized intermediate, with BP230 deficiency; Hereditary sensory and autonomic neuropathy type 6. Last evaluated: 2022-08-20. Review status: criteria provided, single submitter. Criteria: Invitae Variant Classification Sherloc (09022015). Collection method: clinical testing. Allele origin: germline.
Comment: Experimental studies and prediction algorithms are not available or were not evaluated, and the effect of this variant on mRNA splicing is currently unknown. In summary, the available evidence is currently insufficient to determine the role of this variant in disease. Therefore, it has been classified as a Variant of Uncertain Significance. This variant has not been reported in the literature in individuals affected with DST-related conditions. This variant is present in population databases (rs748189091, gnomAD 0.008%). This sequence change affects codon 1171 of the DST mRNA. It is a 'silent' change, meaning that it does not change the encoded amino acid sequence of the DST protein. The DST gene has multiple clinically relevant transcripts. This variant occurs in alternate transcript NM_015548.4, and corresponds to NM_001723.5:c.*3986T>G in the primary transcript.